The following is an entry in ClinVar:

NM_002840.5(PTPRF):c.2109C>T (p.Thr703=)

Gene: PTPRF (protein tyrosine phosphatase receptor type F; plus strand). Cytogenetic location: 1p34.2.
Variant type: single nucleotide variant.
Coding change: c.2109C>T on transcript NM_002840.5 (MANE Select); coding-DNA position 2109, C replaced by T.
Protein change: p.Thr703=; no amino-acid change (threonine 703 retained).
Molecular consequence: synonymous variant. On other transcripts: intron variant (4).
Genome position (GRCh38, 1-based): chr1:43,598,043, C>T. VCF-style: chr1-43598043-C-T. GRCh37 (hg19) VCF-style: chr1-44063714-C-T.
Other names: c.2109C>T, p.Thr703= (NM_130440.4); c.1844-677C>T (NM_001329138.2); c.1832-677C>T (NM_001329137.2); c.1814-677C>T (NM_001329139.2, NM_001329140.2).
Identifiers: ClinVar variation 2638760 (VCV002638760.24), dbSNP rs200783367, ClinGen allele CA812347.

ClinVar aggregate classification (germline): Likely benign (1 of 4 stars; one submission).

Allele frequency attached by ClinVar (database versions not stated): ExAC 0.00014; 1000 Genomes Project 0.00020; ESP Exome Variant Server 0.00026; TOPMed 0.00026; 1000 Genomes Project 30x 0.00031; gnomAD 0.00111.
gnomAD v4.1: 895 of 1,487,662 alleles (0.06%); highest among the groups gnomAD compares: Admixed American, 0.046%; 5 homozygotes.

Submission:

CeGaT Center for Human Genetics Tuebingen
Classification: Likely benign. Last evaluated: 2022-06-01. Review status: criteria provided, single submitter. Criteria: CeGaT Center For Human Genetics Tuebingen Variant Classification Criteria Version 2. Collection method: clinical testing. Allele origin: germline. Affected: yes. Observed: 1 variant allele.
Comment: PTPRF: BP4, BP7